The following is an entry in ClinVar:

NM_001079802.2(FKTN):c.724G>T (p.Val242Leu)

Gene: FKTN (fukutin; plus strand). Cytogenetic location: 9q31.2.
Variant type: single nucleotide variant.
Coding change: c.724G>T on transcript NM_001079802.2 (MANE Select); coding-DNA position 724, G replaced by T.
Protein change: p.Val242Leu; replaces valine 242 with leucine.
Molecular consequence: missense variant. On other transcripts: non-coding transcript variant (2).
Genome position (GRCh38, 1-based): chr9:105,607,895, G>T. VCF-style: chr9-105607895-G-T. GRCh37 (hg19) VCF-style: chr9-108370176-G-T.
Other names: c.724G>T, p.Val242Leu (NM_001198963.2, NM_001351496.2, NM_001351498.2 and 1 more transcripts); c.655G>T, p.Val219Leu (NM_001351497.2); c.328G>T, p.Val110Leu (NM_001351499.2, NM_001351500.2, NM_001351501.2 and 1 more transcripts); short protein forms V219L, V242L, V110L.
Identifiers: ClinVar variation 3515590 (VCV003515590.1).
Genomic context (GRCh38, chr9:105,607,895, plus strand): 5'-GTTACTGTTGATGGACTGGAAGTTCTCATTCCAAAGGATCCAATGCACTTTGTAGAAGAA[G>T]TACCACACTCTAGGTTTATTGAGTGTAGGTATAAAGAAGCTCGAGCATTCTTTCAGGTTA-3'
Protein context (NP_001073270.1, residues 232-252): PKDPMHFVEE[Val242Leu]PHSRFIECRY

ClinVar aggregate classification (germline): Uncertain significance (1 of 4 stars; one submission).

Conditions:
Cardiovascular phenotype. Identifiers: MedGen CN230736.

Submission:

Ambry Genetics
Classification: Uncertain significance for Cardiovascular phenotype. Last evaluated: 2024-10-14. Review status: criteria provided, single submitter. Criteria: Ambry Variant Classification Scheme 2023. Collection method: clinical testing. Allele origin: germline.
Comment: The p.V242L variant (also known as c.724G>T), located in coding exon 5 of the FKTN gene, results from a G to T substitution at nucleotide position 724. The valine at codon 242 is replaced by leucine, an amino acid with highly similar properties. This amino acid position is conserved. In addition, this alteration is predicted to be tolerated by in silico analysis. Based on the available evidence, the clinical significance of this variant remains unclear.